The following is an entry in ClinVar:

ClinVar aggregate classification (germline): Uncertain significance (1 of 4 stars; one submission).

Allele frequency attached by ClinVar (database versions not stated): TOPMed below 0.00001; gnomAD 0.00001.

Submission:

Labcorp Genetics (formerly Invitae), Labcorp
Classification: Uncertain significance. Last evaluated: 2024-10-30. Review status: criteria provided, single submitter. Criteria: Invitae Variant Classification Sherloc (09022015). Collection method: clinical testing. Allele origin: germline.
Comment: This sequence change replaces leucine, which is neutral and non-polar, with phenylalanine, which is neutral and non-polar, at codon 57 of the PIBF1 protein (p.Leu57Phe). This variant is not present in population databases (gnomAD no frequency). This variant has not been reported in the literature in individuals affected with PIBF1-related conditions. ClinVar contains an entry for this variant (Variation ID: 1942868). Invitae Evidence Modeling of protein sequence and biophysical properties (such as structural, functional, and spatial information, amino acid conservation, physicochemical variation, residue mobility, and thermodynamic stability) indicates that this missense variant is not expected to disrupt PIBF1 protein function with a negative predictive value of 80%. In summary, the available evidence is currently insufficient to determine the role of this variant in disease. Therefore, it has been classified as a Variant of Uncertain Significance.

NM_006346.4(PIBF1):c.169C>T (p.Leu57Phe)

Gene: PIBF1 (progesterone immunomodulatory binding factor 1; plus strand). Cytogenetic location: 13q21.33.
Variant type: single nucleotide variant.
Coding change: c.169C>T on transcript NM_006346.4 (MANE Select); coding-DNA position 169, C replaced by T.
Protein change: p.Leu57Phe; replaces leucine 57 with phenylalanine.
Molecular consequence: missense variant. On other transcripts: non-coding transcript variant (2).
Genome position (GRCh38, 1-based): chr13:72,783,638, C>T. VCF-style: chr13-72783638-C-T. GRCh37 (hg19) VCF-style: chr13-73357776-C-T.
Other names: c.169C>T, p.Leu57Phe (NM_001349655.2); short protein forms L57F.
Identifiers: ClinVar variation 1942868 (VCV001942868.5), dbSNP rs1414432926, ClinGen allele CA388295882.
Genomic context (GRCh38, chr13:72,783,638, plus strand): 5'-TCAGAAGAGCGAGAGGGCAAAGTCAGAATCACCAGGCAGCTAATTGAACGAAAAGAACTA[C>T]TTCATAATATTCAGTTACTAAAAATTGAGCTATCCCAGAAAACTATGATGATCGACAATT-3'
Protein context (NP_006337.2, residues 47-67): TRQLIERKEL[Leu57Phe]HNIQLLKIEL